The following is an entry in ClinVar:

NM_001130438.3(SPTAN1):c.3292C>G (p.Arg1098Gly)

Gene: SPTAN1 (spectrin alpha, non-erythrocytic 1; plus strand). Cytogenetic location: 9q34.11.
Variant type: single nucleotide variant.
Coding change: c.3292C>G on transcript NM_001130438.3 (MANE Select); coding-DNA position 3292, C replaced by G.
Protein change: p.Arg1098Gly; replaces arginine 1098 with glycine.
Molecular consequence: missense variant.
Genome position (GRCh38, 1-based): chr9:128,594,251, C>G. VCF-style: chr9-128594251-C-G. GRCh37 (hg19) VCF-style: chr9-131356530-C-G.
Other names: c.3232C>G, p.Arg1078Gly (NM_001195532.2, NM_001363765.2, NM_001375314.2); c.3292C>G, p.Arg1098Gly (NM_001363759.2, NM_001375310.1, NM_001375311.2 and 2 more transcripts); c.3328C>G, p.Arg1110Gly (NM_001375312.2, NM_001375318.1); short protein forms R1078G, R1098G, R1110G.
Identifiers: ClinVar variation 860323 (VCV000860323.10), dbSNP rs1853920585, ClinGen allele CA375061860.

ClinVar aggregate classification (germline): Uncertain significance (1 of 4 stars; one submission).

Conditions:
Early-infantile DEE. Also called: Early infantile epileptic encephalopathy; Early infantile epileptic encephalopathy with suppression bursts; Ohtahara syndrome. Identifiers: Orphanet 1934, MedGen C0393706, MONDO:0800491.

Submission:

Labcorp Genetics (formerly Invitae), Labcorp
Classification: Uncertain significance for Early-infantile DEE. Last evaluated: 2022-12-06. Review status: criteria provided, single submitter. Criteria: Invitae Variant Classification Sherloc (09022015). Collection method: clinical testing. Allele origin: germline.
Comment: In summary, the available evidence is currently insufficient to determine the role of this variant in disease. Therefore, it has been classified as a Variant of Uncertain Significance. Advanced modeling of protein sequence and biophysical properties (such as structural, functional, and spatial information, amino acid conservation, physicochemical variation, residue mobility, and thermodynamic stability) has been performed at Invitae for this missense variant, however the output from this modeling did not meet the statistical confidence thresholds required to predict the impact of this variant on SPTAN1 protein function. ClinVar contains an entry for this variant (Variation ID: 860323). This variant has not been reported in the literature in individuals affected with SPTAN1-related conditions. This variant is not present in population databases (gnomAD no frequency). This sequence change replaces arginine, which is basic and polar, with glycine, which is neutral and non-polar, at codon 1098 of the SPTAN1 protein (p.Arg1098Gly).